The following is an entry in ClinVar:

ClinVar aggregate classification (germline): Uncertain significance (1 of 4 stars; one submission).

Conditions:
Hereditary sensory and autonomic neuropathy type 6. Also called: HSAN VI; Neuropathy, hereditary sensory and autonomic, type VI. Identifiers: Orphanet 314381, MedGen C3539003, MONDO:0013839, OMIM 614653.
Epidermolysis bullosa simplex 3, localized or generalized intermediate, with BP230 deficiency (EBS3). Also called: Epidermolysis bullosa simplex due to BP230 deficiency; Epidermolysis bullosa simplex, autosomal recessive 2. Identifiers: Orphanet 412181, MedGen C3809470, MONDO:0014180, OMIM 615425.

Allele frequency attached by ClinVar (database versions not stated): TOPMed 0.00007; ESP Exome Variant Server 0.00008.
gnomAD v4.1: 25 of 1,613,518 alleles (0.0015%); highest among the groups gnomAD compares: African/African-American, 0.028%; no homozygotes.

Submission:

Labcorp Genetics (formerly Invitae), Labcorp
Classification: Uncertain significance for Epidermolysis bullosa simplex 3, localized or generalized intermediate, with BP230 deficiency; Hereditary sensory and autonomic neuropathy type 6. Last evaluated: 2021-08-25. Review status: criteria provided, single submitter. Criteria: Invitae Variant Classification Sherloc (09022015). Collection method: clinical testing. Allele origin: germline.
Comment: This sequence change replaces serine with tyrosine at codon 2384 of the DST protein (p.Ser2384Tyr). The serine residue is weakly conserved and there is a large physicochemical difference between serine and tyrosine. This variant is present in population databases (rs374183968, ExAC 0.01%). This variant has not been reported in the literature in individuals affected with DST-related conditions. Algorithms developed to predict the effect of missense changes on protein structure and function are either unavailable or do not agree on the potential impact of this missense change (SIFT: "Deleterious"; PolyPhen-2: "Probably Damaging"; Align-GVGD: "Class C15"). In summary, the available evidence is currently insufficient to determine the role of this variant in disease. Therefore, it has been classified as a Variant of Uncertain Significance.

NM_001723.7(DST):c.7151C>A (p.Ser2384Tyr)

Gene: DST (dystonin; minus strand). Cytogenetic location: 6p12.1.
Variant type: single nucleotide variant.
Coding change: c.7151C>A on transcript NM_001723.7 (MANE Plus Clinical); coding-DNA position 7151, C replaced by A.
Protein change: p.Ser2384Tyr; replaces serine 2384 with tyrosine.
Molecular consequence: missense variant. On other transcripts: intron variant (10).
Genome position (GRCh38, 1-based): chr6:56,616,316, G>T on the plus strand (C>A on the coding strand, the complement: DST is on the minus strand). VCF-style: chr6-56616316-G-T. GRCh37 (hg19) VCF-style: chr6-56481114-G-T.
Other names: c.4831-1832C>A (NM_001144769.5); c.4930-1832C>A (NM_001374722.1, NM_001374736.1); c.4957-1832C>A (NM_001374734.1); c.4417-1832C>A (NM_001144770.2); c.4297-1832C>A (NM_001374730.1, NM_001386100.1, NM_183380.4 and 1 more transcripts); c.3319-1832C>A (NM_015548.5); short protein forms S2384Y.
Identifiers: ClinVar variation 1017220 (VCV001017220.6), dbSNP rs374183968, ClinGen allele CA3870016.